The following is an entry in ClinVar:

ClinVar aggregate classification (germline): Likely benign (1 of 4 stars; one submission).

Submission:

GeneDx
Classification: Likely benign. Last evaluated: 2015-10-06. Review status: criteria provided, single submitter. Criteria: GeneDx Variant Classification (06012015). Collection method: clinical testing. Allele origin: germline. Affected: yes.
Comment: This variant is considered likely benign or benign based on one or more of the following criteria: it is a conservative change, it occurs at a poorly conserved position in the protein, it is predicted to be benign by multiple in silico algorithms, and/or has population frequency not consistent with disease.

NM_000090.4(COL3A1):c.1510-18A>G

Genes: COL3A1 (collagen type III alpha 1 chain; plus strand), MIR3606 (microRNA 3606; plus strand). Cytogenetic location: 2q32.2.
Variant type: single nucleotide variant.
Coding change: c.1510-18A>G on transcript NM_000090.4 (MANE Select); 18 bases into the intron before coding-DNA position 1510, A replaced by G.
Molecular consequence: intron variant. On other transcripts: non-coding transcript variant (1).
Genome position (GRCh38, 1-based): chr2:188,995,674, A>G. VCF-style: chr2-188995674-A-G. GRCh37 (hg19) VCF-style: chr2-189860400-A-G.
Identifiers: ClinVar variation 381012 (VCV000381012.1), dbSNP rs1057520926, ClinGen allele CA16604073.